The following is an entry in ClinVar:

NM_052947.4(ALPK2):c.4442A>T (p.Gln1481Leu)

Genes: ALPK2 (alpha kinase 2; minus strand), LOC126862764 (BRD4-independent group 4 enhancer GRCh37_chr18:56202574-56203773; plus strand). Cytogenetic location: 18q21.31.
Variant type: single nucleotide variant.
Coding change: c.4442A>T on transcript NM_052947.4 (MANE Select); coding-DNA position 4442, A replaced by T.
Protein change: p.Gln1481Leu; replaces glutamine 1481 with leucine.
Molecular consequence: missense variant.
Genome position (GRCh38, 1-based): chr18:58,535,745, T>A on the plus strand (A>T on the coding strand, the complement: ALPK2 is on the minus strand). VCF-style: chr18-58535745-T-A. GRCh37 (hg19) VCF-style: chr18-56202977-T-A.
Other names: short protein forms Q1481L.
Identifiers: ClinVar variation 3290504 (VCV003290504.1).
Genomic context (GRCh38, chr18:58,535,745, plus strand): 5'-CCGCCTTCGCTGGGTTGCAGGACTTGCCAAATGGCAGTTTTTGCCTCCTCAGGTTGAATT[T>A]GTTCAGCCTCCTGCTTCATACTGCCTTCTTGGCTTCTGCTGATTCTATTTTCACTCAGAA-3'
Protein context (NP_443179.3, residues 1471-1491): QEGSMKQEAE[Gln1481Leu]IQPEEAKTAI

ClinVar aggregate classification (germline): Uncertain significance (1 of 4 stars; one submission).

gnomAD v4.1: 2 of 1,614,114 alleles (0.00012%); no homozygotes.

Submission:

Ambry Genetics
Classification: Uncertain significance. Last evaluated: 2024-05-24. Review status: criteria provided, single submitter. Criteria: Ambry Variant Classification Scheme 2023. Collection method: clinical testing. Allele origin: germline.
Comment: The p.Q1481L variant (also known as c.4442A>T), located in coding exon 4 of the ALPK2 gene, results from an A to T substitution at nucleotide position 4442. The glutamine at codon 1481 is replaced by leucine, an amino acid with dissimilar properties. This amino acid position is conserved. In addition, this alteration is predicted to be tolerated by in silico analysis. Based on the available evidence, the clinical significance of this variant remains unclear.